The following is an entry in ClinVar:

ClinVar aggregate classification (germline): Uncertain significance (1 of 4 stars; one submission).

Submission:

Labcorp Genetics (formerly Invitae), Labcorp
Classification: Uncertain significance. Last evaluated: 2025-04-24. Review status: criteria provided, single submitter. Criteria: Invitae Variant Classification Sherloc (09022015). Collection method: clinical testing. Allele origin: germline.
Comment: This variant, c.1872_1880dup, results in the insertion of 3 amino acid(s) of the COL11A1 protein (p.Pro626_Gly628dup), but otherwise preserves the integrity of the reading frame. This variant is not present in population databases (gnomAD no frequency). This variant has not been reported in the literature in individuals affected with COL11A1-related conditions. In summary, the available evidence is currently insufficient to determine the role of this variant in disease. Therefore, it has been classified as a Variant of Uncertain Significance.

NM_001854.4(COL11A1):c.1863AGGTCCTCC[3] (p.Gly628_Asp629insProProGly)

Gene: COL11A1 (collagen type XI alpha 1 chain; minus strand). Cytogenetic location: 1p21.1.
Variant type: Microsatellite.
Coding change: c.1863AGGTCCTCC[3] on transcript NM_001854.4 (MANE Select); three copies in a row of the 9-base unit AGGTCCTCC starting at c.1863; the reference has two copies in a row; one copy, 9 bases duplicated.
Protein change: p.Gly628_Asp629insProProGly.
Molecular consequence: inframe insertion. On other transcripts: non-coding transcript variant (1).
Genome position (GRCh38, 1-based): chr1:103,004,627-103,004,635, GGAGGACCT duplicated on the plus strand (AGGTCCTCC on the coding strand, the reverse complement: COL11A1 is on the minus strand); duplicating any 9 consecutive bases within chr1:103,004,627-103,004,644 gives the same sequence; the position shown is the placement nearest the transcript's 3' end. VCF-style (leftmost placement, unchanged base first): chr1-103004626-A-AGGAGGACCT. GRCh37 (hg19) VCF-style: chr1-103470182-A-AGGAGGACCT.
Other names: c.1746AGGTCCTCC[3], p.Gly589_Asp590insProProGly (NM_001190709.2); c.1899AGGTCCTCC[3], p.Gly640_Asp641insProProGly (NM_080629.3); c.1515AGGTCCTCC[3], p.Gly512_Asp513insProProGly (NM_080630.4).
Identifiers: ClinVar variation 4717803 (VCV004717803.1).